The following is an entry in ClinVar:

ClinVar aggregate classification (germline): Uncertain significance (1 of 4 stars; one submission).

Allele frequency attached by ClinVar (database versions not stated): gnomAD exomes below 0.00001; TOPMed below 0.00001.
gnomAD v4.1: 2 of 1,613,940 alleles (0.00012%); highest among the groups gnomAD compares: African/African-American, 0.0027%; no homozygotes.

Submission:

Labcorp Genetics (formerly Invitae), Labcorp
Classification: Uncertain significance. Last evaluated: 2021-11-11. Review status: criteria provided, single submitter. Criteria: Invitae Variant Classification Sherloc (09022015). Collection method: clinical testing. Allele origin: germline.
Comment: This sequence change replaces glutamic acid, which is acidic and polar, with lysine, which is basic and polar, at codon 517 of the ESCO2 protein (p.Glu517Lys). This variant is present in population databases (no rsID available, gnomAD 0.007%). This variant has not been reported in the literature in individuals affected with ESCO2-related conditions. Algorithms developed to predict the effect of missense changes on protein structure and function are either unavailable or do not agree on the potential impact of this missense change (SIFT: "Tolerated"; PolyPhen-2: "Possibly Damaging"; Align-GVGD: "Class C0"). In summary, the available evidence is currently insufficient to determine the role of this variant in disease. Therefore, it has been classified as a Variant of Uncertain Significance.

NM_001017420.3(ESCO2):c.1549G>A (p.Glu517Lys)

Gene: ESCO2 (establishment of sister chromatid cohesion N-acetyltransferase 2; plus strand). Cytogenetic location: 8p21.1.
Variant type: single nucleotide variant.
Coding change: c.1549G>A on transcript NM_001017420.3 (MANE Select); coding-DNA position 1549, G replaced by A.
Protein change: p.Glu517Lys; replaces glutamic acid 517 with lysine.
Molecular consequence: missense variant.
Genome position (GRCh38, 1-based): chr8:27,799,592, G>A. VCF-style: chr8-27799592-G-A. GRCh37 (hg19) VCF-style: chr8-27657109-G-A.
Other names: short protein forms E517K.
Identifiers: ClinVar variation 1495390 (VCV001495390.1), dbSNP rs1207069883, ClinGen allele CA370827118.